The following is an entry in ClinVar:

ClinVar aggregate classification (germline): Uncertain significance (1 of 4 stars; one submission).

Conditions:
Brown-Vialetto-van Laere syndrome 2. Also called: Riboflavin transporter deficiency type 2; SPINOCEREBELLAR ATAXIA WITH BLINDNESS AND DEAFNESS 2. Identifiers: Orphanet 572543, Orphanet 97229, MedGen C3553538, MONDO:0013867, OMIM 614707.

Allele frequency attached by ClinVar (database versions not stated): gnomAD exomes 0.00001.
gnomAD v4.1: 2 of 1,613,584 alleles (0.00012%); highest among the groups gnomAD compares: Admixed American, 0.0033%; no homozygotes.

Submission:

Labcorp Genetics (formerly Invitae), Labcorp
Classification: Uncertain significance for Brown-Vialetto-van Laere syndrome 2. Last evaluated: 2022-10-18. Review status: criteria provided, single submitter. Criteria: Invitae Variant Classification Sherloc (09022015). Collection method: clinical testing. Allele origin: germline.
Comment: This sequence change replaces threonine, which is neutral and polar, with isoleucine, which is neutral and non-polar, at codon 66 of the SLC52A2 protein (p.Thr66Ile). This variant is present in population databases (no rsID available, gnomAD 0.006%). This variant has not been reported in the literature in individuals affected with SLC52A2-related conditions. ClinVar contains an entry for this variant (Variation ID: 1444612). Advanced modeling of protein sequence and biophysical properties (such as structural, functional, and spatial information, amino acid conservation, physicochemical variation, residue mobility, and thermodynamic stability) performed at Invitae indicates that this missense variant is not expected to disrupt SLC52A2 protein function. In summary, the available evidence is currently insufficient to determine the role of this variant in disease. Therefore, it has been classified as a Variant of Uncertain Significance.

NM_001363118.2(SLC52A2):c.197C>T (p.Thr66Ile)

Gene: SLC52A2 (solute carrier family 52 member 2; plus strand). Cytogenetic location: 8q24.3.
Variant type: single nucleotide variant.
Coding change: c.197C>T on transcript NM_001363118.2 (MANE Select); coding-DNA position 197, C replaced by T.
Protein change: p.Thr66Ile; replaces threonine 66 with isoleucine.
Molecular consequence: missense variant. On other transcripts: non-coding transcript variant (1), intron variant (1).
Genome position (GRCh38, 1-based): chr8:144,359,689, C>T. VCF-style: chr8-144359689-C-T. GRCh37 (hg19) VCF-style: chr8-145583349-C-T.
Other names: c.197C>T, p.Thr66Ile (NM_001253815.2, NM_001253816.2, NM_001363120.2 and 2 more transcripts); c.130+266C>T (NM_001363122.2); short protein forms T66I.
Identifiers: ClinVar variation 1444612 (VCV001444612.5), dbSNP rs1341097702, ClinGen allele CA372626379.